The following is an entry in ClinVar:

NM_021098.3(CACNA1H):c.6298G>A (p.Glu2100Lys)

Gene: CACNA1H (calcium voltage-gated channel subunit alpha1 H; plus strand). Cytogenetic location: 16p13.3.
Variant type: single nucleotide variant.
Coding change: c.6298G>A on transcript NM_021098.3 (MANE Select); coding-DNA position 6298, G replaced by A.
Protein change: p.Glu2100Lys; replaces glutamic acid 2100 with lysine.
Molecular consequence: missense variant.
Genome position (GRCh38, 1-based): chr16:1,220,230, G>A. VCF-style: chr16-1220230-G-A. GRCh37 (hg19) VCF-style: chr16-1270230-G-A.
Other names: c.6280G>A, p.Glu2094Lys (NM_001005407.2); short protein forms E2100K, E2094K.
Identifiers: ClinVar variation 2950232 (VCV002950232.3), dbSNP rs2548735450, ClinGen allele CA394149461.

ClinVar aggregate classification (germline): Uncertain significance (1 of 4 stars; one submission).

Conditions:
Idiopathic generalized epilepsy. Also called: EIG; Generalised epilepsy. Identifiers: MedGen C0270850, MONDO:0005579, OMIM 600669.
Hyperaldosteronism, familial, type IV (HALD4). Also called: FH IV; ALDOSTERONISM, PRIMARY, AND HYPERTENSION. Identifiers: Orphanet 642671, MedGen C4310756, MONDO:0014875, OMIM 617027.

Submission:

Labcorp Genetics (formerly Invitae), Labcorp
Classification: Uncertain significance for Idiopathic generalized epilepsy; Hyperaldosteronism, familial, type IV. Last evaluated: 2023-08-02. Review status: criteria provided, single submitter. Criteria: Invitae Variant Classification Sherloc (09022015). Collection method: clinical testing. Allele origin: germline.
Comment: This sequence change replaces glutamic acid, which is acidic and polar, with lysine, which is basic and polar, at codon 2100 of the CACNA1H protein (p.Glu2100Lys). This variant is not present in population databases (gnomAD no frequency). This variant has not been reported in the literature in individuals affected with CACNA1H-related conditions. Advanced modeling of protein sequence and biophysical properties (such as structural, functional, and spatial information, amino acid conservation, physicochemical variation, residue mobility, and thermodynamic stability) performed at Invitae indicates that this missense variant is not expected to disrupt CACNA1H protein function. In summary, the available evidence is currently insufficient to determine the role of this variant in disease. Therefore, it has been classified as a Variant of Uncertain Significance.